The following is an entry in ClinVar:

ClinVar aggregate classification (germline): Uncertain significance (1 of 4 stars; one submission).

Submission:

GeneDx
Classification: Uncertain significance. Last evaluated: 2025-01-14. Review status: criteria provided, single submitter. Criteria: GeneDx Variant Classification Process June 2021. Collection method: clinical testing. Allele origin: germline. Affected: yes.
Comment: Not observed at significant frequency in large population cohorts (gnomAD); In silico analysis supports that this missense variant has a deleterious effect on protein structure/function; Has not been previously published as pathogenic or benign to our knowledge; Reported using an alternate transcript of the gene

NM_001024843.2(TNRC6B):c.97G>C (p.Gly33Arg)

Gene: TNRC6B (trinucleotide repeat containing adaptor 6B; plus strand). Cytogenetic location: 22q13.1.
Variant type: single nucleotide variant.
Coding change: c.97G>C on transcript NM_001024843.2; coding-DNA position 97, G replaced by C.
Protein change: p.Gly33Arg; replaces glycine 33 with arginine.
Molecular consequence: missense variant.
Genome position (GRCh38, 1-based): chr22:40,156,166, G>C. VCF-style: chr22-40156166-G-C. GRCh37 (hg19) VCF-style: chr22-40552170-G-C.
Other names: short protein forms G33R.
Identifiers: ClinVar variation 4057145 (VCV004057145.1).